The following is an entry in ClinVar:

NM_024675.4(PALB2):c.3139A>T (p.Lys1047Ter)

Gene: PALB2 (partner and localizer of BRCA2; minus strand). Cytogenetic location: 16p12.2.
Variant type: single nucleotide variant.
Coding change: c.3139A>T on transcript NM_024675.4 (MANE Select); coding-DNA position 3139, A replaced by T.
Protein change: p.Lys1047Ter; replaces lysine 1047 with a stop codon.
Molecular consequence: nonsense. On other transcripts: intron variant (3).
Genome position (GRCh38, 1-based): chr16:23,614,066, T>A on the plus strand (A>T on the coding strand, the complement: PALB2 is on the minus strand). VCF-style: chr16-23614066-T-A. GRCh37 (hg19) VCF-style: chr16-23625387-T-A.
Other names: c.3079A>T, p.Lys1027Ter (NM_001407296.1); c.3067A>T, p.Lys1023Ter (NM_001407297.1); c.2977A>T, p.Lys993Ter (NM_001407298.1, NM_001407302.1); c.2860A>T, p.Lys954Ter (NM_001407300.1); c.3139A>T, p.Lys1047Ter (NM_001407301.1); c.2254A>T, p.Lys752Ter (NM_001407304.1, NM_001407305.1, NM_001407306.1 and 2 more transcripts); c.2092A>T, p.Lys698Ter (NM_001407307.1); c.1351A>T, p.Lys451Ter (NM_001407312.1, NM_001407313.1); and 3 more; short protein forms K1023*, K1027*, K1047*, K225*, K451*, K698*, K752*, K954*.
Identifiers: ClinVar variation 2674035 (VCV002674035.1), dbSNP rs2506266710, ClinGen allele CA395141365.

ClinVar aggregate classification (germline): Pathogenic (1 of 4 stars; one submission).

Conditions:
Familial cancer of breast. Also called: Hereditary breast cancer; BREAST CANCER, FAMILIAL; hereditary breast carcinoma. Identifiers: Orphanet 227535, MedGen C0346153, MONDO:0016419, OMIM 114480. Disease mechanism: loss of function.

Submission:

Myriad Genetics, Inc.
Classification: Pathogenic for Familial cancer of breast. Last evaluated: 2023-09-14. Review status: criteria provided, single submitter. Criteria: Myriad Autosomal Dominant, Autosomal Recessive and X-Linked Classification Criteria (2023). Collection method: clinical testing. Allele origin: unknown.
Comment: This variant is considered pathogenic. This variant creates a termination codon and is predicted to result in premature protein truncation.